The following is an entry in ClinVar:

ClinVar aggregate classification (germline): Benign. Review status: criteria provided, single submitter (1 of 4 stars). 2 submissions from 2 submitters: Benign (1). 1 of the submissions does not count toward it. Last evaluated 2019-12-31.

Conditions:
RREB1-related disorder. Also called: RREB1-related condition.

Allele frequency attached by ClinVar (database versions not stated): gnomAD 0.00003 and 0.00026; TOPMed 0.00004; gnomAD exomes 0.00046 and 0.00101; ExAC 0.00108; 1000 Genomes Project 30x 0.00219; 1000 Genomes Project 0.00280.
gnomAD v4.1: 740 of 1,614,100 alleles (0.046%); highest among the groups gnomAD compares: South Asian, 0.7%; 8 homozygotes.

Submissions (2):

Labcorp Genetics (formerly Invitae), Labcorp
Classification: Benign. Last evaluated: 2019-12-31. Review status: criteria provided, single submitter. Criteria: Invitae Variant Classification Sherloc (09022015). Collection method: clinical testing. Allele origin: germline.

PreventionGenetics, part of Exact Sciences
Classification: Likely benign for RREB1-related condition. Last evaluated: 2019-04-12. Review status: no assertion criteria provided. Collection method: clinical testing. Allele origin: germline. Not counted in ClinVar's aggregate classification.
Comment: This variant is classified as likely benign based on ACMG/AMP sequence variant interpretation guidelines (Richards et al. 2015 PMID: 25741868, with internal and published modifications).

NM_001003699.4(RREB1):c.2877T>G (p.Pro959=)

Gene: RREB1 (ras responsive element binding protein 1; plus strand). Cytogenetic location: 6p24.3.
Variant type: single nucleotide variant.
Coding change: c.2877T>G on transcript NM_001003699.4 (MANE Select); coding-DNA position 2877, T replaced by G.
Protein change: p.Pro959=; no amino-acid change (proline 959 retained).
Molecular consequence: synonymous variant.
Genome position (GRCh38, 1-based): chr6:7,230,976, T>G. VCF-style: chr6-7230976-T-G. GRCh37 (hg19) VCF-style: chr6-7231209-T-G.
Other names: c.2877T>G, p.Pro959= (NM_001003698.4, NM_001003700.2, NM_001168344.2).
Identifiers: ClinVar variation 793346 (VCV000793346.6), dbSNP rs547655770, ClinGen allele CA3625972.